The following is an entry in ClinVar:

NM_006267.5(RANBP2):c.1777T>C (p.Tyr593His)

Gene: RANBP2 (RAN binding protein 2; plus strand). Cytogenetic location: 2q13.
Variant type: single nucleotide variant.
Coding change: c.1777T>C on transcript NM_006267.5 (MANE Select); coding-DNA position 1777, T replaced by C.
Protein change: p.Tyr593His; replaces tyrosine 593 with histidine.
Molecular consequence: missense variant.
Genome position (GRCh38, 1-based): chr2:108,753,019, T>C. VCF-style: chr2-108753019-T-C. GRCh37 (hg19) VCF-style: chr2-109369475-T-C.
Other names: c.1777T>C, p.Tyr593His (NM_001415871.1, NM_001415873.1); c.1774T>C, p.Tyr592His (NM_001415872.1); short protein forms Y592H, Y593H.
Identifiers: ClinVar variation 2581757 (VCV002581757.2), dbSNP rs1373364729, ClinGen allele CA348051231.
Genomic context (GRCh38, chr2:108,753,019, plus strand): 5'-TGTTCCTTAAAGTTGTGTGCTTTTAACTTTCTTTTTTAGGGCAGCGGTCTTAATTCTTTT[T>C]ATGATCAACGAGAATACATAGGGAGAAGTGTTCATTATTGGAAGAAAGTTTTGCCATTGT-3'
Protein context (NP_006258.3, residues 583-603): QKTGSGLNSF[Tyr593His]DQREYIGRSV

ClinVar aggregate classification (germline): Uncertain significance (1 of 4 stars; one submission).

Allele frequency attached by ClinVar (database versions not stated): TOPMed below 0.00001; gnomAD 0.00001.

Submission:

GeneDx
Classification: Uncertain significance. Last evaluated: 2025-10-02. Review status: criteria provided, single submitter. Criteria: GeneDx Variant Classification Process June 2021. Collection method: clinical testing. Allele origin: germline. Affected: yes.
Comment: Not observed at significant frequency in large population cohorts (gnomAD); In silico analysis suggests that this missense variant does not alter protein structure/function; Has not been previously published as pathogenic or benign to our knowledge